The following is an entry in ClinVar:

NM_001372044.2(SHANK3):c.5340del (p.Asp1780fs)

Gene: SHANK3 (SH3 and multiple ankyrin repeat domains 3; plus strand). Cytogenetic location: 22q13.33.
Variant type: Deletion.
Coding change: c.5340del on transcript NM_001372044.2 (MANE Select); coding-DNA position 5340, one base deleted (C; older notation c.5340delC).
Protein change: p.Asp1780fs; shifts the reading frame from aspartic acid 1780.
Molecular consequence: frameshift variant.
Genome position (GRCh38, 1-based): chr22:50,731,231, C deleted. VCF-style (leftmost placement, unchanged base first): chr22-50731230-AC-A. GRCh37 (hg19) VCF-style: chr22-51169658-AC-A.
Other names: c.5340delC (NM_001372044.2); short protein forms D1780fs.
Identifiers: ClinVar variation 4536716 (VCV004536716.1).

ClinVar aggregate classification (germline): Uncertain significance (1 of 4 stars; one submission).

Submission:

Women's Health and Genetics/Laboratory Corporation of America, LabCorp
Classification: Uncertain significance. Last evaluated: 2025-11-14. Review status: criteria provided, single submitter. Criteria: LabCorp Variant Classification Summary - May 2015. Collection method: clinical testing. Allele origin: germline.
Comment: Variant summary: SHANK3 c.5340delC (p.Met1781X) results in a premature termination codon, and is predicted to cause a truncation of the encoded protein but is not expected to result in absence of the protein due to nonsense mediated decay. To our knowledge, no downstream variants have been classified as pathogenic/likely pathogenic. The variant was absent in 129190 control chromosomes. The available data on variant occurrences in the general population are insufficient to allow any conclusion about variant significance. To our knowledge, no occurrence of c.5340delC in individuals affected with SHANK3-related conditions and no experimental evidence demonstrating its impact on protein function have been reported. No submitters have cited clinical-significance assessments for this variant to ClinVar. Based on the evidence outlined above, the variant was classified as uncertain significance.